The following is an entry in ClinVar:

NM_001277115.2(DNAH11):c.10739G>A (p.Arg3580His)

Gene: DNAH11 (dynein axonemal heavy chain 11; plus strand). Cytogenetic location: 7p15.3.
Variant type: single nucleotide variant.
Coding change: c.10739G>A on transcript NM_001277115.2 (MANE Select); coding-DNA position 10739, G replaced by A.
Protein change: p.Arg3580His; replaces arginine 3580 with histidine.
Molecular consequence: missense variant.
Genome position (GRCh38, 1-based): chr7:21,842,591, G>A. VCF-style: chr7-21842591-G-A. GRCh37 (hg19) VCF-style: chr7-21882209-G-A.
Other names: short protein forms R3580H.
Identifiers: ClinVar variation 178733 (VCV000178733.50), dbSNP rs34879202, ClinGen allele CA182904.

ClinVar aggregate classification (germline): Benign/Likely benign. Review status: criteria provided, multiple submitters, no conflicts (2 of 4 stars). 11 submissions from 11 submitters: Benign (8); Likely benign (3). Last evaluated 2026-07-01.

Conditions:
Primary ciliary dyskinesia. Also called: Ciliary dyskinesia. Identifiers: Orphanet 244, MedGen C0008780, MONDO:0016575, HP:0012265.
Primary ciliary dyskinesia 7. Also called: CILIARY DYSKINESIA, PRIMARY, 7, WITH OR WITHOUT SITUS INVERSUS. Identifiers: Orphanet 244, MedGen C2678473, MONDO:0012748, OMIM 611884.

Allele frequency attached by ClinVar (database versions not stated): 1000 Genomes Project 30x 0.00422; 1000 Genomes Project 0.00479; ExAC 0.00851; gnomAD exomes 0.00873; TOPMed 0.00881; gnomAD 0.00928 and 0.00942; ESP Exome Variant Server 0.01159.
gnomAD v4.1: 22,285 of 1,613,800 alleles (1.4%); highest among the groups gnomAD compares: Non-Finnish European, 1.7%; 184 homozygotes.

Submissions (11):

CeGaT Center for Human Genetics Tuebingen
Classification: Likely benign. Last evaluated: 2026-07-01. Review status: criteria provided, single submitter. Criteria: CeGaT Center For Human Genetics Tuebingen Variant Classification Criteria Version 2. Collection method: clinical testing. Allele origin: germline. Affected: yes. Observed: 36 variant alleles.
Comment: DNAH11: BP4

Labcorp Genetics (formerly Invitae), Labcorp
Classification: Benign for Primary ciliary dyskinesia. Last evaluated: 2026-01-29. Review status: criteria provided, single submitter. Criteria: Invitae Variant Classification Sherloc (09022015). Collection method: clinical testing. Allele origin: germline.

Mayo Clinic Laboratories, Mayo Clinic
Classification: Benign. Last evaluated: 2025-05-30. Review status: criteria provided, single submitter. Criteria: ACMG Guidelines, 2015. Collection method: clinical testing. Allele origin: germline. Observed: 2 variant alleles.
Comment: BS1, BS2

Blueprint Genetics
Classification: Likely benign. Last evaluated: 2024-11-27. Review status: criteria provided, single submitter. Criteria: ACMG Guidelines, 2015. Collection method: clinical testing. Allele origin: germline.

Women's Health and Genetics/Laboratory Corporation of America, LabCorp
Classification: Likely benign. Last evaluated: 2024-07-24. Review status: criteria provided, single submitter. Criteria: LabCorp Variant Classification Summary - May 2015. Collection method: clinical testing. Allele origin: germline.

ARUP Laboratories, Molecular Genetics and Genomics, ARUP Laboratories
Classification: Benign for Primary ciliary dyskinesia 7. Last evaluated: 2023-10-26. Review status: criteria provided, single submitter. Criteria: ARUP Molecular Germline Variant Investigation Process 2024. Collection method: clinical testing. Allele origin: germline.

Fulgent Genetics
Classification: Benign for Primary ciliary dyskinesia 7. Last evaluated: 2022-05-13. Review status: criteria provided, single submitter. Criteria: ACMG Guidelines, 2015. Collection method: clinical testing. Allele origin: unknown.

GeneDx
Classification: Benign. Last evaluated: 2020-03-03. Review status: criteria provided, single submitter. Criteria: GeneDx Variant Classification Process June 2021. Collection method: clinical testing. Allele origin: germline. Affected: yes.
Comment: This variant is associated with the following publications: (PMID: 27637300, 24450482)

Eurofins Ntd Llc (ga)
Classification: Benign. Last evaluated: 2017-06-01. Review status: criteria provided, single submitter. Criteria: EGL Classification Definitions 2015. Collection method: clinical testing. Allele origin: germline. Observed: 1 variant allele, 1 heterozygote.

Laboratory for Molecular Medicine, Mass General Brigham Personalized Medicine
Classification: Benign. Last evaluated: 2013-02-21. Review status: criteria provided, single submitter. Criteria: LMM Criteria. Collection method: clinical testing. Allele origin: germline. Observed: 4 variant alleles.
Comment: Arg3580His in exon 66 of DNAH11: This variant is not expected to have clinical s ignificance because it has been identified in 1.5% (122/8230) of European Americ an chromosomes from a broad population by the NHLBI Exome Sequencing Project (dbSNP rs34879202).

PreventionGenetics, part of Exact Sciences
Classification: Benign. Review status: criteria provided, single submitter. Criteria: ACMG Guidelines, 2015. Collection method: clinical testing. Allele origin: germline.

Literature cited by the submitters: PubMed 24450482 (cited by Mayo Clinic Laboratories, Mayo Clinic); PubMed 27637300 (cited by Eurofins Ntd Llc (ga)).